The following is an entry in ClinVar:

NM_001161352.2(KCNMA1):c.3590A>T (p.Gln1197Leu)

Gene: KCNMA1 (potassium calcium-activated channel subfamily M alpha 1; minus strand). Cytogenetic location: 10q22.3.
Variant type: single nucleotide variant.
Coding change: c.3590A>T on transcript NM_001161352.2 (MANE Select); coding-DNA position 3590, A replaced by T.
Protein change: p.Gln1197Leu; replaces glutamine 1197 with leucine.
Molecular consequence: missense variant.
Genome position (GRCh38, 1-based): chr10:76,887,387, T>A on the plus strand (A>T on the coding strand, the complement: KCNMA1 is on the minus strand). VCF-style: chr10-76887387-T-A. GRCh37 (hg19) VCF-style: chr10-78647145-T-A.
Other names: c.3428A>T, p.Gln1143Leu (NM_001014797.3); c.3539A>T, p.Gln1180Leu (NM_001161353.2); c.3266A>T, p.Gln1089Leu (NM_001271518.2); c.3506A>T, p.Gln1169Leu (NM_001271519.2); c.3425A>T, p.Gln1142Leu (NM_001322829.2, NM_001322836.2); c.3518A>T, p.Gln1173Leu (NM_001322830.2); c.3416A>T, p.Gln1139Leu (NM_001322832.2, NM_001410940.1, NM_002247.4); c.3509A>T, p.Gln1170Leu (NM_001322835.2, NM_001322837.2); and 1 more; short protein forms Q1089L, Q1139L, Q1142L, Q1143L, Q1169L, Q1170L, Q1173L, Q1180L.
Identifiers: ClinVar variation 4070683 (VCV004070683.1).

ClinVar aggregate classification (germline): Uncertain significance (1 of 4 stars; one submission).

Submission:

GeneDx
Classification: Uncertain significance. Last evaluated: 2025-01-19. Review status: criteria provided, single submitter. Criteria: GeneDx Variant Classification Process June 2021. Collection method: clinical testing. Allele origin: germline. Affected: yes.
Comment: Not observed at significant frequency in large population cohorts (gnomAD); In silico analysis indicates that this missense variant does not alter protein structure/function; Has not been previously published as pathogenic or benign to our knowledge